The following is an entry in ClinVar:

NM_001282933.2(ZNF341):c.334C>T (p.Arg112Cys)

Gene: ZNF341 (zinc finger protein 341; plus strand). Cytogenetic location: 20q11.22.
Variant type: single nucleotide variant.
Coding change: c.334C>T on transcript NM_001282933.2 (MANE Select); coding-DNA position 334, C replaced by T.
Protein change: p.Arg112Cys; replaces arginine 112 with cysteine.
Molecular consequence: missense variant. On other transcripts: non-coding transcript variant (1), intron variant (1).
Genome position (GRCh38, 1-based): chr20:33,745,294, C>T. VCF-style: chr20-33745294-C-T. GRCh37 (hg19) VCF-style: chr20-32333100-C-T.
Other names: c.334C>T, p.Arg112Cys (NM_032819.5); c.70-3629C>T (NM_001282935.2); c.334C>T (NM_032819.3); short protein forms R112C.
Identifiers: ClinVar variation 1354513 (VCV001354513.8), dbSNP rs1194746502, ClinGen allele CA408646036.

ClinVar aggregate classification (germline): Uncertain significance. Review status: criteria provided, multiple submitters, no conflicts (2 of 4 stars). 2 submissions from 2 submitters: Uncertain significance (2). Last evaluated 2024-05-30.

Allele frequency attached by ClinVar (database versions not stated): gnomAD exomes 0.00001; gnomAD 0.00002 and 0.00003; TOPMed 0.00004.
gnomAD v4.1: 24 of 1,611,690 alleles (0.0015%); highest among the groups gnomAD compares: Admixed American, 0.0067%; no homozygotes.

Submissions (2):

Ambry Genetics
Classification: Uncertain significance. Last evaluated: 2024-05-30. Review status: criteria provided, single submitter. Criteria: Ambry Variant Classification Scheme 2023. Collection method: clinical testing. Allele origin: germline.

Labcorp Genetics (formerly Invitae), Labcorp
Classification: Uncertain significance. Last evaluated: 2024-02-24. Review status: criteria provided, single submitter. Criteria: Invitae Variant Classification Sherloc (09022015). Collection method: clinical testing. Allele origin: germline.
Comment: This sequence change replaces arginine, which is basic and polar, with cysteine, which is neutral and slightly polar, at codon 112 of the ZNF341 protein (p.Arg112Cys). This variant is present in population databases (no rsID available, gnomAD 0.005%). This variant has not been reported in the literature in individuals affected with ZNF341-related conditions. ClinVar contains an entry for this variant (Variation ID: 1354513). An algorithm developed to predict the effect of missense changes on protein structure and function (PolyPhen-2) suggests that this variant is likely to be tolerated. In summary, the available evidence is currently insufficient to determine the role of this variant in disease. Therefore, it has been classified as a Variant of Uncertain Significance.